The following is an entry in ClinVar:

NM_053025.4(MYLK):c.4621G>C (p.Val1541Leu)

Gene: MYLK (myosin light chain kinase; minus strand). Cytogenetic location: 3q21.1.
Variant type: single nucleotide variant.
Coding change: c.4621G>C on transcript NM_053025.4 (MANE Select); coding-DNA position 4621, G replaced by C.
Protein change: p.Val1541Leu; replaces valine 1541 with leucine.
Molecular consequence: missense variant.
Genome position (GRCh38, 1-based): chr3:123,640,503, C>G on the plus strand (G>C on the coding strand, the complement: MYLK is on the minus strand). VCF-style: chr3-123640503-C-G. GRCh37 (hg19) VCF-style: chr3-123359350-C-G.
Other names: c.4093G>C, p.Val1365Leu (NM_001321309.2); c.4414G>C, p.Val1472Leu (NM_053026.4, NM_053028.4); c.4621G>C, p.Val1541Leu (NM_053027.4); short protein forms V1365L, V1472L, V1541L.
Identifiers: ClinVar variation 4860621 (VCV004860621.1).

ClinVar aggregate classification (germline): Uncertain significance (1 of 4 stars; one submission).

Conditions:
Familial thoracic aortic aneurysm and aortic dissection (TAAD). Also called: Thoracic aortic aneurysms and dissections. Identifiers: Orphanet 91387, MedGen C4707243, MONDO:0019625.

Submission:

Ambry Genetics
Classification: Uncertain significance for Familial thoracic aortic aneurysm and aortic dissection. Last evaluated: 2026-05-14. Review status: criteria provided, single submitter. Criteria: Ambry Variant Classification Scheme 2023. Collection method: clinical testing. Allele origin: germline.
Comment: The p.V1541L variant (also known as c.4621G>C), located in coding exon 25 of the MYLK gene, results from a G to C substitution at nucleotide position 4621. The valine at codon 1541 is replaced by leucine, an amino acid with highly similar properties. This amino acid position is conserved. In addition, this alteration is predicted to be tolerated by in silico analysis. Based on the available evidence, the clinical significance of this variant remains unclear.